The following is an entry in ClinVar:

ClinVar aggregate classification (germline): Uncertain significance (1 of 4 stars; one submission).

Submission:

CeGaT Center for Human Genetics Tuebingen
Classification: Uncertain significance. Last evaluated: 2026-08-01. Review status: criteria provided, single submitter. Criteria: CeGaT Center For Human Genetics Tuebingen Variant Classification Criteria Version 2. Collection method: clinical testing. Allele origin: germline. Affected: yes. Observed: 1 variant allele.
Comment: RYR1: PM2, PM4:Supporting

NM_000540.3(RYR1):c.1381GAG[1] (p.Glu462del)

Gene: RYR1 (ryanodine receptor 1; plus strand). Cytogenetic location: 19q13.2.
Variant type: Microsatellite.
Coding change: c.1381GAG[1] on transcript NM_000540.3 (MANE Select); one copy of the 3-base unit GAG starting at c.1381; the reference has two copies in a row; one copy, 3 bases deleted.
Protein change: p.Glu462del; deletes glutamic acid 462.
Genome position (GRCh38, 1-based): chr19:38,452,958-38,452,960, GAG deleted; deleting any 3 consecutive bases within chr19:38,452,955-38,452,960 gives the same sequence; the position shown is the placement nearest the transcript's 3' end. VCF-style (leftmost placement, unchanged base first): chr19-38452954-CGAG-C. GRCh37 (hg19) VCF-style: chr19-38943594-CGAG-C.
Other names: c.1381GAG[1], p.Glu462del (NM_001042723.2); short protein forms E462del.
Identifiers: ClinVar variation 5041485 (VCV005041485.1).
Genomic context (GRCh38, chr19:38,452,954, plus strand): 5'-TATCCTGAGCCTGCAGGACCTCATCATCTACTTCGAGCCTCCCTCCGAGGACTTGCAGCA[CGAG>C]GAGAAGCAGAGCAAGCTGCGAAGCCTGCGCAACCGCCAGAGCCTCTTCCAGGAGGAGGTG-3'